The following is an entry in ClinVar:

ClinVar aggregate classification (germline): Benign (1 of 4 stars; one submission).

Conditions:
Familial hypokalemia-hypomagnesemia (GTLMNS). Also called: gitelman syndrome; HYPOMAGNESEMIA-HYPOKALEMIA, PRIMARY RENOTUBULAR, WITH HYPOCALCIURIA; POTASSIUM AND MAGNESIUM DEPLETION. Identifiers: Orphanet 358, MedGen C0268450, MONDO:0009904, OMIM 263800.

Allele frequency attached by ClinVar (database versions not stated): gnomAD 0.01891 and 0.02023; 1000 Genomes Project 0.01997; 1000 Genomes Project 30x 0.02014; TOPMed 0.02166.

Submission:

Illumina Laboratory Services, Illumina
Classification: Benign for Familial hypokalemia-hypomagnesemia. Last evaluated: 2018-01-13. Review status: criteria provided, single submitter. Criteria: ICSL Variant Classification Criteria 13 December 2019. Collection method: clinical testing. Allele origin: germline.
Comment: This variant was observed in the ICSL laboratory as part of a predisposition screen in an ostensibly healthy population. It had not been previously curated by ICSL or reported in the Human Gene Mutation Database (HGMD: prior to June 1st, 2018), and was therefore a candidate for classification through an automated scoring system. Utilizing variant allele frequency, disease prevalence and penetrance estimates, and inheritance mode, an automated score was calculated to assess if this variant is too frequent to cause the disease. Based on the score and internal cut-off values, a variant classified as benign is not then subjected to further curation. The score for this variant resulted in a classification of benign for this disease.

NM_001126108.2(SLC12A3):c.*2432T>C

Gene: SLC12A3 (solute carrier family 12 member 3; plus strand). Cytogenetic location: 16q13.
Variant type: single nucleotide variant.
Coding change: c.*2432T>C on transcript NM_001126108.2 (MANE Select); 2432 bases downstream of the stop codon, T replaced by C.
Molecular consequence: 3 prime UTR variant.
Genome position (GRCh38, 1-based): chr16:56,915,837, T>C. VCF-style: chr16-56915837-T-C. GRCh37 (hg19) VCF-style: chr16-56949749-T-C.
Other names: c.*2432T>C (NM_000339.3, NM_001126107.2).
Identifiers: ClinVar variation 319969 (VCV000319969.5), dbSNP rs115344087, ClinGen allele CA10647846.